The following is an entry in ClinVar:

NM_030665.4(RAI1):c.509_510delinsAG (p.Ser170Ter)

Gene: RAI1 (retinoic acid induced 1; plus strand). Cytogenetic location: 17p11.2.
Variant type: Indel.
Coding change: c.509_510delinsAG on transcript NM_030665.4 (MANE Select); coding-DNA positions 509 to 510, CC replaced by AG.
Protein change: p.Ser170Ter; replaces serine 170 with a stop codon.
Molecular consequence: nonsense.
Genome position (GRCh38, 1-based): chr17:17,793,457-17,793,458, CC replaced by AG. VCF-style: chr17-17793457-CC-AG. GRCh37 (hg19) VCF-style: chr17-17696771-CC-AG.
Other names: short protein forms S170*.
Identifiers: ClinVar variation 4999508 (VCV004999508.1).

ClinVar aggregate classification (germline): Likely pathogenic (1 of 4 stars; one submission).

Conditions:
RAI1-related disorder. Also called: RAI1-related condition.

Submission:

PreventionGenetics, part of Exact Sciences
Classification: Likely pathogenic for RAI1-related condition. Last evaluated: 2025-03-27. Review status: criteria provided, single submitter. Criteria: ACMG Guidelines, 2015. Collection method: clinical testing. Allele origin: germline.
Comment: The RAI1 c.509_510delinsAG variant is predicted to result in premature protein termination (p.Ser170*). To our knowledge, this variant has not been reported in the literature or in a large population database (gnomAD), indicating this variant is rare. Nonsense variants in RAI1 are expected to be pathogenic. This variant is interpreted as likely pathogenic.